The following is an entry in ClinVar:

ClinVar aggregate classification (germline): Pathogenic. Review status: criteria provided, multiple submitters, no conflicts (2 of 4 stars). 2 submissions from 2 submitters: Pathogenic (2). Last evaluated 2022-10-11.

Conditions:
KBG syndrome (KBGS). Also called: ANKRD11-Related KBG Syndrome. Identifiers: Orphanet 2332, MedGen C0220687, MONDO:0007846, OMIM 148050.

Submissions (2):

CENTOGENE GmbH and LLC - Guiding Precision Medicine
Classification: Pathogenic for KBG syndrome. Last evaluated: 2022-10-11. Review status: criteria provided, single submitter. Criteria: ACMG Guidelines, 2015. Collection method: clinical testing. Allele origin: de novo. Affected: yes.

GeneDx
Classification: Pathogenic. Last evaluated: 2021-02-10. Review status: criteria provided, single submitter. Criteria: GeneDx Variant Classification Process June 2021. Collection method: clinical testing. Allele origin: germline. Affected: yes.
Comment: Frameshift variant predicted to result in protein truncation or nonsense mediated decay in a gene for which loss-of-function is a known mechanism of disease; Not observed in large population cohorts (Lek et al., 2016)

NM_013275.6(ANKRD11):c.2054_2055del (p.Lys685fs)

Gene: ANKRD11 (ankyrin repeat domain 11; minus strand). Cytogenetic location: 16q24.3.
Variant type: Deletion.
Coding change: c.2054_2055del on transcript NM_013275.6 (MANE Select); coding-DNA positions 2054 to 2055, 2 bases deleted (AA; older notation c.2054_2055delAA).
Protein change: p.Lys685fs; shifts the reading frame from lysine 685.
Molecular consequence: frameshift variant.
Genome position (GRCh38, 1-based): chr16:89,284,487-89,284,488, TT deleted on the plus strand (AA on the coding strand, the reverse complement: ANKRD11 is on the minus strand); deleting any 2 consecutive bases within chr16:89,284,487-89,284,490 gives the same sequence; the c. name uses the placement nearest the transcript's 3' end. VCF-style (leftmost placement, unchanged base first): chr16-89284486-CTT-C. GRCh37 (hg19) VCF-style: chr16-89350894-CTT-C.
Other names: c.2054_2055del, p.Lys685fs (NM_001256182.2, NM_001256183.2); short protein forms K685fs.
Identifiers: ClinVar variation 1212718 (VCV001212718.4), dbSNP rs2151761605, ClinGen allele CA2499223798.